The following is an entry in ClinVar:

NM_015404.4(WHRN):c.2102G>A (p.Gly701Asp)

Gene: WHRN (whirlin; minus strand). Cytogenetic location: 9q32.
Variant type: single nucleotide variant.
Coding change: c.2102G>A on transcript NM_015404.4 (MANE Select); coding-DNA position 2102, G replaced by A.
Protein change: p.Gly701Asp; replaces glycine 701 with aspartic acid.
Molecular consequence: missense variant.
Genome position (GRCh38, 1-based): chr9:114,406,489, C>T on the plus strand (G>A on the coding strand, the complement: WHRN is on the minus strand). VCF-style: chr9-114406489-C-T. GRCh37 (hg19) VCF-style: chr9-117168769-C-T.
Other names: c.953G>A, p.Gly318Asp (NM_001083885.3); c.2102G>A, p.Gly701Asp (NM_001173425.2); c.1049G>A, p.Gly350Asp (NM_001346890.1); short protein forms G350D, G318D, G701D.
Identifiers: ClinVar variation 2156708 (VCV002156708.3), dbSNP rs771227514, ClinGen allele CA5205736.

ClinVar aggregate classification (germline): Uncertain significance (1 of 4 stars; one submission).

Allele frequency attached by ClinVar (database versions not stated): gnomAD 0.00001; gnomAD exomes 0.00003; ExAC 0.00006.

Submission:

Labcorp Genetics (formerly Invitae), Labcorp
Classification: Uncertain significance. Last evaluated: 2022-05-12. Review status: criteria provided, single submitter. Criteria: Invitae Variant Classification Sherloc (09022015). Collection method: clinical testing. Allele origin: germline.
Comment: In summary, the available evidence is currently insufficient to determine the role of this variant in disease. Therefore, it has been classified as a Variant of Uncertain Significance. Algorithms developed to predict the effect of missense changes on protein structure and function output the following: SIFT: "Tolerated"; PolyPhen-2: "Benign"; Align-GVGD: "Class C0". The aspartic acid amino acid residue is found in multiple mammalian species, which suggests that this missense change does not adversely affect protein function. This variant has not been reported in the literature in individuals affected with WHRN-related conditions. This variant is present in population databases (rs771227514, gnomAD 0.04%). This sequence change replaces glycine, which is neutral and non-polar, with aspartic acid, which is acidic and polar, at codon 701 of the WHRN protein (p.Gly701Asp).